The following is an entry in ClinVar:

NM_002474.3(MYH11):c.272C>T (p.Ala91Val)

Gene: MYH11 (myosin heavy chain 11; minus strand). Cytogenetic location: 16p13.11.
Variant type: single nucleotide variant.
Coding change: c.272C>T on transcript NM_002474.3 (MANE Select); coding-DNA position 272, C replaced by T.
Protein change: p.Ala91Val; replaces alanine 91 with valine.
Molecular consequence: missense variant.
Genome position (GRCh38, 1-based): chr16:15,837,981, G>A on the plus strand (C>T on the coding strand, the complement: MYH11 is on the minus strand). VCF-style: chr16-15837981-G-A. GRCh37 (hg19) VCF-style: chr16-15931838-G-A.
Other names: c.272C>T, p.Ala91Val (NM_001040113.2, NM_001040114.2, NM_022844.3); short protein forms A91V.
Identifiers: ClinVar variation 534150 (VCV000534150.10), dbSNP rs1555459204, ClinGen allele CA395198289.

ClinVar aggregate classification (germline): Uncertain significance. Review status: criteria provided, multiple submitters, no conflicts (2 of 4 stars). 2 submissions from 2 submitters: Uncertain significance (2). Last evaluated 2024-03-07.

Conditions:
Aortic aneurysm, familial thoracic 4 (AAT4). Also called: AORTIC ANEURYSM/AORTIC DISSECTION AND PATENT DUCTUS ARTERIOSUS. Identifiers: MedGen C1851504, MONDO:0007568, OMIM 132900.
Familial thoracic aortic aneurysm and aortic dissection (TAAD). Also called: Thoracic aortic aneurysms and dissections. Identifiers: Orphanet 91387, MedGen C4707243, MONDO:0019625.

Allele frequency attached by ClinVar (database versions not stated): gnomAD exomes below 0.00001.

Submissions (2):

Color Diagnostics, LLC DBA Color Health
Classification: Uncertain significance for Familial thoracic aortic aneurysm and aortic dissection. Last evaluated: 2024-03-07. Review status: criteria provided, single submitter. Criteria: ACMG Guidelines, 2015. Collection method: clinical testing. Allele origin: germline.
Comment: This missense variant replaces alanine with valine at codon 91 of the MYH11 protein. Computational prediction suggests that this variant may have deleterious impact on protein structure and function (internally defined REVEL score threshold >= 0.7, PMID: 27666373). To our knowledge, functional studies have not been reported for this variant. This variant has not been reported in individuals affected with cardiovascular disorders in the literature. This variant has not been identified in the general population by the Genome Aggregation Database (gnomAD). The available evidence is insufficient to determine the role of this variant in disease conclusively. Therefore, this variant is classified as a Variant of Uncertain Significance.

Labcorp Genetics (formerly Invitae), Labcorp
Classification: Uncertain significance for Aortic aneurysm, familial thoracic 4. Last evaluated: 2017-11-12. Review status: criteria provided, single submitter. Criteria: Invitae Variant Classification Sherloc (09022015). Collection method: clinical testing. Allele origin: germline.
Comment: This variant is not present in population databases (ExAC no frequency). This variant has not been reported in the literature in individuals with MYH11-related disease. Algorithms developed to predict the effect of missense changes on protein structure and function do not agree on the potential impact of this missense change (SIFT: "Deleterious"; PolyPhen-2: "Probably Damaging"; Align-GVGD: "Class C0"). In summary, the available evidence is currently insufficient to determine the role of this variant in disease. Therefore, it has been classified as a Variant of Uncertain Significance. This sequence change replaces alanine with valine at codon 91 of the MYH11 protein (p.Ala91Val). The alanine residue is highly conserved and there is a small physicochemical difference between alanine and valine.